The following is an entry in ClinVar:

NM_001134407.3(GRIN2A):c.1673G>C (p.Trp558Ser)

Gene: GRIN2A (glutamate ionotropic receptor NMDA type subunit 2A; minus strand). Cytogenetic location: 16p13.2.
Variant type: single nucleotide variant.
Coding change: c.1673G>C on transcript NM_001134407.3 (MANE Select); coding-DNA position 1673, G replaced by C.
Protein change: p.Trp558Ser; replaces tryptophan 558 with serine.
Molecular consequence: missense variant.
Genome position (GRCh38, 1-based): chr16:9,834,209, C>G on the plus strand (G>C on the coding strand, the complement: GRIN2A is on the minus strand). VCF-style: chr16-9834209-C-G. GRCh37 (hg19) VCF-style: chr16-9928066-C-G.
Other names: c.1673G>C (NM_000833.3); c.1673G>C, p.Trp558Ser (NM_000833.5, NM_001134408.2); short protein forms W558S.
Identifiers: ClinVar variation 532714 (VCV000532714.7), dbSNP rs1555493585, ClinGen allele CA394800109.

ClinVar aggregate classification (germline): Pathogenic/Likely pathogenic. Review status: criteria provided, multiple submitters, no conflicts (2 of 4 stars). 2 submissions from 2 submitters: Pathogenic (1); Likely pathogenic (1). Last evaluated 2025-04-01.

Conditions:
Landau-Kleffner syndrome (FESD). Also called: EPILEPSY, FOCAL, WITH SPEECH DISORDER AND WITH OR WITHOUT MENTAL RETARDATION; APHASIA, ACQUIRED, WITH EPILEPSY. Identifiers: Orphanet 1945, Orphanet 725, Orphanet 98818, MedGen C0282512, MONDO:0009509, OMIM 245570.

Submissions (2):

GeneDx
Classification: Likely pathogenic. Last evaluated: 2025-04-01. Review status: criteria provided, single submitter. Criteria: GeneDx Variant Classification Process June 2021. Collection method: clinical testing. Allele origin: germline. Affected: yes.
Comment: Not observed at significant frequency in large population cohorts (gnomAD); In silico analysis supports that this missense variant has a deleterious effect on protein structure/function; Previously reported in an proband from a cohort of individuals with childhood epilepsy; additional clinical information was not provided (PMID: 31440721); This variant is associated with the following publications: (PMID: 31440721, 27839871)

Labcorp Genetics (formerly Invitae), Labcorp
Classification: Pathogenic for Landau-Kleffner syndrome. Last evaluated: 2023-11-27. Review status: criteria provided, single submitter. Criteria: Invitae Variant Classification Sherloc (09022015). Collection method: clinical testing. Allele origin: germline.
Comment: This sequence change replaces tryptophan, which is neutral and slightly polar, with serine, which is neutral and polar, at codon 558 of the GRIN2A protein (p.Trp558Ser). This variant is not present in population databases (gnomAD no frequency). This missense change has been observed in individual(s) with epilepsy and GRIN2A-related disorders (Invitae). In at least one individual the variant was observed to be de novo. ClinVar contains an entry for this variant (Variation ID: 532714). Advanced modeling of protein sequence and biophysical properties (such as structural, functional, and spatial information, amino acid conservation, physicochemical variation, residue mobility, and thermodynamic stability) performed at Invitae indicates that this missense variant is expected to disrupt GRIN2A protein function with a positive predictive value of 95%. For these reasons, this variant has been classified as Pathogenic.